The following is an entry in ClinVar:

NM_002609.4(PDGFRB):c.2414G>T (p.Gly805Val)

Gene: PDGFRB (platelet derived growth factor receptor beta; minus strand). Cytogenetic location: 5q32.
Variant type: single nucleotide variant.
Coding change: c.2414G>T on transcript NM_002609.4 (MANE Select); coding-DNA position 2414, G replaced by T.
Protein change: p.Gly805Val; replaces glycine 805 with valine.
Molecular consequence: missense variant.
Genome position (GRCh38, 1-based): chr5:150,121,253, C>A on the plus strand (G>T on the coding strand, the complement: PDGFRB is on the minus strand). VCF-style: chr5-150121253-C-A. GRCh37 (hg19) VCF-style: chr5-149500816-C-A.
Other names: c.2222G>T, p.Gly741Val (NM_001355016.2); c.1931G>T, p.Gly644Val (NM_001355017.2); short protein forms G644V, G741V, G805V.
Identifiers: ClinVar variation 3754779 (VCV003754779.2).
Genomic context (GRCh38, chr5:150,121,253, plus strand): 5'-ACCACACGTACGTTCTTGGAGGCCAGAAACTCCATGCCATTGGCCACCTGGTAGCTGAAG[C>A]CCACGAGGTCCATGTAGCTTAGCACTGGAGACTCGTTGATCAAAGTTGCTCGGCAGGTCC-3'
Protein context (NP_002600.1, residues 795-815): SPVLSYMDLV[Gly805Val]FSYQVANGME

ClinVar aggregate classification (germline): Uncertain significance (1 of 4 stars; one submission).

Conditions:
Skeletal overgrowth-craniofacial dysmorphism-hyperelastic skin-white matter lesions syndrome. Also called: SKELETAL OVERGROWTH WITH FACIAL DYSMORPHISM, HYPERELASTIC SKIN, WHITE MATTER LESIONS, AND NEUROLOGIC DETERIORATION; Kosaki overgrowth syndrome. Identifiers: Orphanet 477831, MedGen C4225270, MONDO:0014704, OMIM 616592.
Infantile myofibromatosis (IMF). Also called: Congenital generalized fibromatosis. Identifiers: Orphanet 2591, MedGen C0432284, MONDO:0016824.
Basal ganglia calcification, idiopathic, 4 (PFBC4). Also called: Familial Idiopathic Basal Ganglia Calcification 4; PRIMARY FAMILIAL BRAIN CALCIFICATION 4, AUTOSOMAL DOMINANT. Identifiers: Orphanet 1980, MedGen C3554321, MONDO:0014004, OMIM 615007.
Acroosteolysis-keloid-like lesions-premature aging syndrome. Also called: Premature aging syndrome, Penttinen type; Prematurely aged appearance, delayed bone maturation, acro-osteolysis, and brachydactyly; Progeroid syndrome, Penttinen type. Identifiers: Orphanet 363665, MedGen C1866182, MONDO:0011150, OMIM 601812.

gnomAD v4.1: 1 of 1,607,546 alleles (0.000062%); highest among the groups gnomAD compares: Non-Finnish European, 0.000085%; no homozygotes.

Submission:

Labcorp Genetics (formerly Invitae), Labcorp
Classification: Uncertain significance for Basal ganglia calcification, idiopathic, 4; Skeletal overgrowth-craniofacial dysmorphism-hyperelastic skin-white matter lesions syndrome; Infantile myofibromatosis; Acroosteolysis-keloid-like lesions-premature aging syndrome. Last evaluated: 2024-02-17. Review status: criteria provided, single submitter. Criteria: Invitae Variant Classification Sherloc (09022015). Collection method: clinical testing. Allele origin: germline.
Comment: This sequence change replaces glycine, which is neutral and non-polar, with valine, which is neutral and non-polar, at codon 805 of the PDGFRB protein (p.Gly805Val). This variant is not present in population databases (gnomAD no frequency). This variant has not been reported in the literature in individuals affected with PDGFRB-related conditions. Advanced modeling of protein sequence and biophysical properties (such as structural, functional, and spatial information, amino acid conservation, physicochemical variation, residue mobility, and thermodynamic stability) performed at Invitae indicates that this missense variant is not expected to disrupt PDGFRB protein function with a negative predictive value of 80%. In summary, the available evidence is currently insufficient to determine the role of this variant in disease. Therefore, it has been classified as a Variant of Uncertain Significance.